The following is an entry in ClinVar:

ClinVar aggregate classification (germline): Uncertain significance (1 of 4 stars; one submission).

Conditions:
Autosomal recessive limb-girdle muscular dystrophy type 2A (LGMDR1). Also called: MUSCULAR DYSTROPHY, PELVOFEMORAL; Limb-girdle muscular dystrophy, type 2A; Calpainopathy; LEYDEN-MOEBIUS MUSCULAR DYSTROPHY; Muscular dystrophy, limb-girdle, type 2A, Amish. Identifiers: Orphanet 267, MedGen C1869123, MONDO:0009675, OMIM 253600. Disease mechanism: loss of function.

Submission:

Labcorp Genetics (formerly Invitae), Labcorp
Classification: Uncertain significance for Autosomal recessive limb-girdle muscular dystrophy type 2A. Last evaluated: 2025-09-05. Review status: criteria provided, single submitter. Criteria: Invitae Variant Classification Sherloc (09022015). Collection method: clinical testing. Allele origin: germline.
Comment: This sequence change falls in intron 18 of the CAPN3 gene. It does not directly change the encoded amino acid sequence of the CAPN3 protein. It affects a nucleotide within the consensus splice site. This variant is not present in population databases (gnomAD no frequency). This variant has not been reported in the literature in individuals affected with CAPN3-related conditions. Variants that disrupt the consensus splice site are a relatively common cause of aberrant splicing (PMID: 17576681, 9536098). Algorithms developed to predict the effect of sequence changes on RNA splicing suggest that this variant may disrupt the consensus splice site. In summary, the available evidence is currently insufficient to determine the role of this variant in disease. Therefore, it has been classified as a Variant of Uncertain Significance.

Literature cited by the submitters: PubMed 17576681; PubMed 9536098.

NM_000070.3(CAPN3):c.2050+2dup

Gene: CAPN3 (calpain 3; plus strand). Cytogenetic location: 15q15.1.
Variant type: Duplication.
Coding change: c.2050+2dup on transcript NM_000070.3 (MANE Select); the canonical splice donor site of the intron after coding-DNA position 2050, one base duplicated (T; older notation c.2050+2dupT).
Molecular consequence: splice donor variant.
Genome position (GRCh38, 1-based): chr15:42,409,846, T duplicated. VCF-style (leftmost placement, unchanged base first): chr15-42409845-G-GT. GRCh37 (hg19) VCF-style: chr15-42702043-G-GT.
Other names: c.2032+2dup (NM_024344.2); c.1774+2dup (NM_173087.2); c.514+2dup (NM_173088.2); c.55+2dup (NM_173090.2, NM_173089.2).
Identifiers: ClinVar variation 4705837 (VCV004705837.1), dbSNP rs1566984813.